The following is an entry in ClinVar:

ClinVar aggregate classification (germline): Benign/Likely benign. Review status: criteria provided, multiple submitters, no conflicts (2 of 4 stars). 6 submissions from 6 submitters: Benign (1); Likely benign (5). Last evaluated 2025-07-31.

Conditions:
Hereditary cancer-predisposing syndrome. Also called: Hereditary neoplastic syndrome; Neoplastic Syndromes, Hereditary; Hereditary Cancer Syndrome; Tumor predisposition. Identifiers: Orphanet 140162, MedGen C0027672, MeSH D009386, MONDO:0015356.
Melanoma, cutaneous malignant, susceptibility to, 3. Also called: Cutaneous malignant melanoma 3. Identifiers: Orphanet 618, MedGen C1836892, MONDO:0012183, OMIM 609048.
Familial melanoma. Also called: Hereditary melanoma; Hereditary cutaneous melanoma. Identifiers: Orphanet 618, MedGen C1512419, MONDO:0018961.

Allele frequency attached by ClinVar (database versions not stated): gnomAD 0.00001; gnomAD exomes 0.00001; ExAC 0.00002.

Submissions (6):

Labcorp Genetics (formerly Invitae), Labcorp
Classification: Likely benign for Familial melanoma. Last evaluated: 2025-07-31. Review status: criteria provided, single submitter. Criteria: Invitae Variant Classification Sherloc (09022015). Collection method: clinical testing. Allele origin: germline.

Women's Health and Genetics/Laboratory Corporation of America, LabCorp
Classification: Likely benign. Last evaluated: 2024-10-07. Review status: criteria provided, single submitter. Criteria: LabCorp Variant Classification Summary - May 2015. Collection method: clinical testing. Allele origin: germline.
Comment: Variant summary: CDK4 c.504G>A alters a conserved nucleotide resulting in a synonymous change. The variant allele was found at a frequency of 8e-06 in 251492 control chromosomes. The available data on variant occurrences in the general population are insufficient to allow any conclusion about variant significance. To our knowledge, no occurrence of c.504G>A in individuals affected with Cutaneous Malignant Melanoma and no experimental evidence demonstrating its impact on protein function have been reported. ClinVar contains an entry for this variant (Variation ID: 463470). Based on the evidence outlined above, the variant was classified as likely benign.

Myriad Genetics, Inc.
Classification: Benign for Melanoma, cutaneous malignant, susceptibility to, 3. Last evaluated: 2024-09-25. Review status: criteria provided, single submitter. Criteria: Myriad Autosomal Dominant, Autosomal Recessive and X-Linked Classification Criteria (2023). Collection method: clinical testing. Allele origin: unknown.
Comment: This variant is considered benign. This variant is a silent/synonymous amino acid change and it is not expected to impact splicing.

Blueprint Genetics
Classification: Likely benign. Last evaluated: 2023-07-04. Review status: criteria provided, single submitter. Criteria: ACMG Guidelines, 2015. Collection method: clinical testing. Allele origin: germline.

Ambry Genetics
Classification: Likely benign for Hereditary cancer-predisposing syndrome. Last evaluated: 2020-09-02. Review status: criteria provided, single submitter. Criteria: Ambry Variant Classification Scheme 2023. Collection method: clinical testing. Allele origin: germline.

Illumina Laboratory Services, Illumina
Classification: Likely benign for Melanoma, cutaneous malignant, susceptibility to, 3. Last evaluated: 2018-01-13. Review status: criteria provided, single submitter. Criteria: ICSL Variant Classification Criteria 13 December 2019. Collection method: clinical testing. Allele origin: germline.
Comment: This variant was observed in the ICSL laboratory as part of a predisposition screen in an ostensibly healthy population. It had not been previously curated by ICSL or reported in the Human Gene Mutation Database (HGMD: prior to June 1st, 2018), and was therefore a candidate for classification through an automated scoring system. Utilizing variant allele frequency, disease prevalence and penetrance estimates, and inheritance mode, an automated score was calculated to assess if this variant is too frequent to cause the disease. Based on the score and internal cut-off values, a variant classified as likely benign is not then subjected to further curation. The score for this variant resulted in a classification of likely benign for this disease.

NM_000075.4(CDK4):c.504G>A (p.Gln168=)

Gene: CDK4 (cyclin dependent kinase 4; minus strand). Cytogenetic location: 12q14.1.
Variant type: single nucleotide variant.
Coding change: c.504G>A on transcript NM_000075.4 (MANE Select); coding-DNA position 504, G replaced by A.
Protein change: p.Gln168=; no amino-acid change (glutamine 168 retained).
Molecular consequence: synonymous variant.
Genome position (GRCh38, 1-based): chr12:57,750,941, C>T on the plus strand (G>A on the coding strand, the complement: CDK4 is on the minus strand). VCF-style: chr12-57750941-C-T. GRCh37 (hg19) VCF-style: chr12-58144724-C-T.
Identifiers: ClinVar variation 463470 (VCV000463470.20), dbSNP rs770086242, ClinGen allele CA6657802.
Genomic context (GRCh38, chr12:57,750,941, plus strand): 5'-ACTCCCAACCAGAACCCATTTTGGTACCATCTTTCTACTGACCACGGGTGTAAGTGCCAT[C>T]TGGTAGCTGTAGATTCTGGCCAGGCCAAAGTCAGCCAGCTTGACTGTTCCACCACTTGTC-3'
Protein context (NP_000066.1, residues 158-178): DFGLARIYSY[Gln168=]MALTPVVVTL